The following is an entry in ClinVar:

ClinVar aggregate classification (germline): Uncertain significance. Review status: criteria provided, multiple submitters, no conflicts (2 of 4 stars). 6 submissions from 6 submitters: Uncertain significance (6). Last evaluated 2025-05-07.

Conditions:
Hereditary cancer-predisposing syndrome. Also called: Hereditary Cancer Syndrome; Hereditary neoplastic syndrome; Tumor predisposition; Neoplastic Syndromes, Hereditary. Identifiers: Orphanet 140162, MedGen C0027672, MeSH D009386, MONDO:0015356.
Multiple endocrine neoplasia, type 2 (MEN2). Identifiers: Orphanet 653, MedGen C4048306, MONDO:0019003. Disease mechanism: gain of function.
Hirschsprung disease, susceptibility to, 1 (HSCR1). Also called: RET-Related Hirschsprung Disease. Identifiers: Orphanet 388, MedGen C3888239, MONDO:0007723, OMIM 142623.

Allele frequency attached by ClinVar (database versions not stated): TOPMed 0.00002.
gnomAD v4.1: 9 of 1,607,098 alleles (0.00056%); highest among the groups gnomAD compares: African/African-American, 0.0027%; no homozygotes.

Submissions (6):

Ambry Genetics
Classification: Uncertain significance for Hereditary cancer-predisposing syndrome. Last evaluated: 2025-05-07. Review status: criteria provided, single submitter. Criteria: Ambry Variant Classification Scheme 2023. Collection method: clinical testing. Allele origin: germline.
Comment: The p.D631E variant (also known as c.1893C>A), located in coding exon 11 of the RET gene, results from a C to A substitution at nucleotide position 1893. The aspartic acid at codon 631 is replaced by glutamic acid, an amino acid with highly similar properties. This alteration has been detected in two unrelated individuals diagnosed with medullary thyroid cancer, both of whom also carried the p.C634Y pathogenic mutation in the RET gene; the phase (cis/trans) of this alteration with the pathogenic mutation is unknown (Ahmed SA et a. J Mol Diagn. 2005 May;7(2):283-8). This amino acid position is well conserved in available vertebrate species. In addition, the in silico prediction for this alteration is inconclusive. Based on the available evidence, the clinical significance of this alteration remains unclear.

Labcorp Genetics (formerly Invitae), Labcorp
Classification: Uncertain significance for Multiple endocrine neoplasia, type 2. Last evaluated: 2025-02-27. Review status: criteria provided, single submitter. Criteria: Invitae Variant Classification Sherloc (09022015). Collection method: clinical testing. Allele origin: germline.
Comment: This sequence change replaces aspartic acid, which is acidic and polar, with glutamic acid, which is acidic and polar, at codon 631 of the RET protein (p.Asp631Glu). This variant is present in population databases (rs55846256, gnomAD 0.0009%). This variant has not been reported in the literature in individuals affected with RET-related conditions. ClinVar contains an entry for this variant (Variation ID: 549831). An algorithm developed to predict the effect of missense changes on protein structure and function outputs the following: PolyPhen-2: "Benign". The glutamic acid amino acid residue is found in multiple mammalian species, which suggests that this missense change does not adversely affect protein function. This variant disrupts the p.Asp631 amino acid residue in RET. Other variant(s) that disrupt this residue have been determined to be pathogenic (PMID: 10049754, 16839264, 22274720). This suggests that this residue is clinically significant, and that variants that disrupt this residue are likely to be disease-causing. In summary, the available evidence is currently insufficient to determine the role of this variant in disease. Therefore, it has been classified as a Variant of Uncertain Significance.

All of Us Research Program, National Institutes of Health
Classification: Uncertain significance for Multiple endocrine neoplasia, type 2. Last evaluated: 2024-02-22. Review status: criteria provided, single submitter. Criteria: ACMG Guidelines, 2015. Collection method: clinical testing. Allele origin: germline. Inheritance: Autosomal dominant inheritance. Observed: 4 variant alleles, 4 heterozygotes.
Comment: This missense variant replaces aspartic acid with glutamic acid at codon 631 of the RET protein. Computational prediction suggests that this variant may not impact protein structure and function (internally defined REVEL score threshold <= 0.5, PMID: 27666373). To our knowledge, functional studies have not been reported for this variant nor has this variant been reported in individuals affected with RET-related disorders in the literature. This p.Asp631Glu variant is a relatively conservative substitution, compared to a more disruptive substitution p.Asp631Tyr that has been reported as disease-causing in ClinVar (variation ID 24914) and in individuals affected with MEN2A or who exhibited RET-related clinical features (PMID: 10049754, 15858153, 16839264, 22274720, 34267909). This variant has been identified in 1/247098 chromosomes in the general population by the Genome Aggregation Database (gnomAD). The available evidence is insufficient to determine the role of this variant in disease conclusively. Therefore, this variant is classified as a Variant of Uncertain Significance.

This study involves interpretation of variants in research participants for the purpose of population health screening. Participant phenotype was not available at the time of variant classification. Additional details can be found in publication PMID: 35346344, PMCID: PMC8962531

Color Diagnostics, LLC DBA Color Health
Classification: Uncertain significance for Multiple endocrine neoplasia, type 2. Last evaluated: 2024-02-07. Review status: criteria provided, single submitter. Criteria: ACMG Guidelines, 2015. Collection method: clinical testing. Allele origin: germline.
Comment: This missense variant replaces aspartic acid with glutamic acid at codon 631 of the RET protein. Computational prediction suggests that this variant may not impact protein structure and function. To our knowledge, functional studies have not been reported for this variant nor has this variant been reported in individuals affected with RET-related disorders in the literature. This p.Asp631Glu variant is a relatively conservative substitution, compared to a more disruptive substitution p.Asp631Tyr that has been reported as disease-causing in ClinVar (variation ID 24914) and in individuals affected with MEN2A or who exhibited RET-related clinical features (PMID: 10049754, 15858153, 16839264, 22274720, 34267909). This variant has been identified in 1/247098 chromosomes in the general population by the Genome Aggregation Database (gnomAD). The available evidence is insufficient to determine the role of this variant in disease conclusively. Therefore, this variant is classified as a Variant of Uncertain Significance.

Women's Health and Genetics/Laboratory Corporation of America, LabCorp
Classification: Uncertain significance. Last evaluated: 2024-01-15. Review status: criteria provided, single submitter. Criteria: LabCorp Variant Classification Summary - May 2015. Collection method: clinical testing. Allele origin: germline.
Comment: Variant summary: RET c.1893C>A (p.Asp631Glu) results in a conservative amino acid change in the encoded protein sequence. Another variant that alters this residue (p.Asp631Tyr) has been classified as pathogenic by ClinVar submitters. Three of five in-silico tools predict a benign effect of the variant on protein function. The variant allele was found at a frequency of 4e-06 in 247098 control chromosomes (gnomAD). The available data on variant occurrences in the general population are insufficient to allow any conclusion about variant significance. c.1893C>A has been reported in the literature in individuals affected with medullary thyroid carcinoma without strong evidence of causality. These reports do not provide unequivocal conclusions about association of the variant with Multiple Endocrine Neoplasia Type 2. Co-occurrence with another pathogenic variant was reported in these individuals (RET c.1901G>A, p.Cys634Tyr), providing supporting evidence for a benign role. To our knowledge, no experimental evidence demonstrating an impact on protein function has been reported. The following publications have been ascertained in the context of this evaluation (PMID: 15858153, 17384210). ClinVar contains an entry for this variant (Variation ID: 549831). Based on the evidence outlined above, the variant was classified as uncertain significance.

Baylor Genetics
Classification: Uncertain significance for Hirschsprung disease, susceptibility to, 1. Last evaluated: 2023-05-28. Review status: criteria provided, single submitter. Criteria: ACMG Guidelines, 2015. Collection method: clinical testing. Allele origin: unknown.

Literature cited by the submitters: PubMed 10049754 (cited by 3 submitters); PubMed 16839264 (cited by 3 submitters); PubMed 22274720 (cited by 3 submitters); PubMed 15858153 (cited by 3 submitters); PubMed 34267909 (cited by All of Us Research Program, National Institutes of Health and Color Diagnostics, LLC DBA Color Health); PubMed 17384210 (cited by Women's Health and Genetics/Laboratory Corporation of America, LabCorp).

NM_020975.6(RET):c.1893C>A (p.Asp631Glu)

Gene: RET (ret proto-oncogene; plus strand). Cytogenetic location: 10q11.21.
Variant type: single nucleotide variant.
Coding change: c.1893C>A on transcript NM_020975.6 (MANE Select); coding-DNA position 1893, C replaced by A.
Protein change: p.Asp631Glu; replaces aspartic acid 631 with glutamic acid.
Molecular consequence: missense variant.
Genome position (GRCh38, 1-based): chr10:43,114,493, C>A. VCF-style: chr10-43114493-C-A. GRCh37 (hg19) VCF-style: chr10-43609941-C-A.
Other names: c.1893C>A, p.Asp631Glu (NM_000323.2, NM_001406743.1, NM_001406744.1 and 4 more transcripts); c.1131C>A, p.Asp377Glu (NM_001355216.2); c.1764C>A, p.Asp588Glu (NM_001406761.1, NM_001406762.1, NM_001406764.1); c.1605C>A, p.Asp535Glu (NM_001406766.1, NM_001406767.1, NM_001406770.1); c.1497C>A, p.Asp499Glu (NM_001406769.1, NM_001406772.1); c.1455C>A, p.Asp485Glu (NM_001406771.1, NM_001406773.1); c.1368C>A, p.Asp456Glu (NM_001406774.1); c.1167C>A, p.Asp389Glu (NM_001406775.1, NM_001406776.1, NM_001406777.1 and 1 more transcripts); and 7 more; short protein forms D631E, D377E, D289E, D332E, D485E, D535E, D148E, D196E.
Identifiers: ClinVar variation 549831 (VCV000549831.18), dbSNP rs55846256, ClinGen allele CA008238.